The following is an entry in ClinVar:

NM_001369268.1(ACAN):c.5663C>T (p.Thr1888Ile)

Gene: ACAN (aggrecan; plus strand). Cytogenetic location: 15q26.1.
Variant type: single nucleotide variant.
Coding change: c.5663C>T on transcript NM_001369268.1 (MANE Select); coding-DNA position 5663, C replaced by T.
Protein change: p.Thr1888Ile; replaces threonine 1888 with isoleucine.
Molecular consequence: missense variant.
Genome position (GRCh38, 1-based): chr15:88,858,248, C>T. VCF-style: chr15-88858248-C-T. GRCh37 (hg19) VCF-style: chr15-89401479-C-T.
Other names: c.5663C>T, p.Thr1888Ile (NM_001135.4, NM_001411096.1, NM_001411097.1 and 1 more transcripts); short protein forms T1888I.
Identifiers: ClinVar variation 3260996 (VCV003260996.2).
Genomic context (GRCh38, chr15:88,858,248, plus strand): 5'-AATCTGGGATGGTGGATGTCAGTGGACAGTTTTCTGGAACAGTCGATTCCAGTGGGTTTA[C>T]ATCCCAGACTCCGGAATTCAGTGGCCTACCAAGTGGCATAGCTGAGGTCAGTGGAGAATC-3'
Protein context (NP_001356197.1, residues 1878-1898): FSGTVDSSGF[Thr1888Ile]SQTPEFSGLP

ClinVar aggregate classification (germline): Uncertain significance. Review status: criteria provided, multiple submitters, no conflicts (2 of 4 stars). 2 submissions from 2 submitters: Uncertain significance (2). Last evaluated 2026-02-13.

Conditions:
Inborn genetic diseases. Identifiers: MedGen C0950123, MeSH D030342.

gnomAD v4.1: 25 of 1,613,738 alleles (0.0015%); highest among the groups gnomAD compares: Middle Eastern, 0.033%; no homozygotes.

Submissions (2):

Women's Health and Genetics/Laboratory Corporation of America, LabCorp
Classification: Uncertain significance. Last evaluated: 2026-02-13. Review status: criteria provided, single submitter. Criteria: LabCorp Variant Classification Summary - May 2015. Collection method: clinical testing. Allele origin: germline.
Comment: Variant summary: ACAN c.5663C>T (p.Thr1888Ile) results in a non-conservative amino acid change in the encoded protein sequence. Algorithms developed to predict the effect of missense changes on protein structure and function are either unavailable or do not agree on the potential impact of this missense change. The variant allele was found at a frequency of 4e-06 in 249158 control chromosomes. The available data on variant occurrences in the general population are insufficient to allow any conclusion about variant significance. To our knowledge, no occurrence of c.5663C>T in individuals affected with ACAN-related conditions and no experimental evidence demonstrating its impact on protein function have been reported. ClinVar contains an entry for this variant (Variation ID: 3260996). Based on the evidence outlined above, the variant was classified as uncertain significance.

Ambry Genetics
Classification: Uncertain significance for Inborn genetic diseases. Last evaluated: 2024-03-19. Review status: criteria provided, single submitter. Criteria: Ambry Variant Classification Scheme 2023. Collection method: clinical testing. Allele origin: germline.